The following is an entry in ClinVar:

NM_152564.5(VPS13B):c.9850T>G (p.Leu3284Val)

Gene: VPS13B (vacuolar protein sorting 13 homolog B; plus strand). Cytogenetic location: 8q22.2.
Variant type: single nucleotide variant.
Coding change: c.9850T>G on transcript NM_152564.5 (MANE Select); coding-DNA position 9850, T replaced by G.
Protein change: p.Leu3284Val; replaces leucine 3284 with valine.
Molecular consequence: missense variant.
Genome position (GRCh38, 1-based): chr8:99,835,646, T>G. VCF-style: chr8-99835646-T-G. GRCh37 (hg19) VCF-style: chr8-100847874-T-G.
Other names: c.9925T>G, p.Leu3309Val (NM_017890.5); short protein forms L3284V, L3309V.
Identifiers: ClinVar variation 965039 (VCV000965039.6), dbSNP rs761596624, ClinGen allele CA4824814.
Genomic context (GRCh38, chr8:99,835,646, plus strand): 5'-TCAATTCATCATGAGCTGTATCATCAGATTTCCAGTTATCCGGACTGCAAGACCAAAGAC[T>G]TACTTCCAAGCCTACTTTTGAGAGTTGAACCTCTAGATGAAGTAACAACTGAGTGGAGTG-3'
Protein context (NP_689777.3, residues 3274-3294): SSYPDCKTKD[Leu3284Val]LPSLLLRVEP

ClinVar aggregate classification (germline): Uncertain significance. Review status: criteria provided, single submitter (1 of 4 stars). 2 submissions from 2 submitters: Uncertain significance (1). 1 of the submissions does not count toward it. Last evaluated 2022-03-04.

Conditions:
Cohen syndrome (COH1). Also called: Cutis verticis gyrata, retinitis pigmentosa, and sensorineural deafness; PEPPER SYNDROME. Identifiers: Orphanet 193, MedGen C0265223, MONDO:0008999, OMIM 216550.

Allele frequency attached by ClinVar (database versions not stated): gnomAD exomes 0.00001 and 0.00003; ExAC 0.00002.
gnomAD v4.1: 10 of 1,614,134 alleles (0.00062%); highest among the groups gnomAD compares: Non-Finnish European, 0.000085%; no homozygotes.

Submissions (2):

Labcorp Genetics (formerly Invitae), Labcorp
Classification: Uncertain significance for Cohen syndrome. Last evaluated: 2022-03-04. Review status: criteria provided, single submitter. Criteria: Invitae Variant Classification Sherloc (09022015). Collection method: clinical testing. Allele origin: germline.
Comment: This sequence change replaces leucine, which is neutral and non-polar, with valine, which is neutral and non-polar, at codon 3309 of the VPS13B protein (p.Leu3309Val). This variant is present in population databases (rs761596624, gnomAD 0.05%). This variant has not been reported in the literature in individuals affected with VPS13B-related conditions. ClinVar contains an entry for this variant (Variation ID: 965039). Algorithms developed to predict the effect of missense changes on protein structure and function are either unavailable or do not agree on the potential impact of this missense change (SIFT: "Not Available"; PolyPhen-2: "Benign"; Align-GVGD: "Not Available"). Algorithms developed to predict the effect of sequence changes on RNA splicing suggest that this variant may create or strengthen a splice site. In summary, the available evidence is currently insufficient to determine the role of this variant in disease. Therefore, it has been classified as a Variant of Uncertain Significance.

Natera, Inc.
Classification: Uncertain significance for Cohen syndrome. Last evaluated: 2020-04-23. Review status: no assertion criteria provided. Collection method: clinical testing. Allele origin: germline. Not counted in ClinVar's aggregate classification.